The following is an entry in ClinVar:

NM_000052.7(ATP7A):c.2178C>G (p.Phe726Leu)

Gene: ATP7A (ATPase copper transporting alpha; plus strand). Cytogenetic location: Xq21.1.
Variant type: single nucleotide variant.
Coding change: c.2178C>G on transcript NM_000052.7 (MANE Select); coding-DNA position 2178, C replaced by G.
Protein change: p.Phe726Leu; replaces phenylalanine 726 with leucine.
Molecular consequence: missense variant. On other transcripts: intron variant (1).
Genome position (GRCh38, 1-based): chrX:78,012,884, C>G. VCF-style: chrX-78012884-C-G. GRCh37 (hg19) VCF-style: chrX-77268381-C-G.
Other names: c.2172+1210C>G (NM_001282224.2); short protein forms F726L.
Identifiers: ClinVar variation 2944133 (VCV002944133.3), dbSNP rs572956005, ClinGen allele CA413598601.

ClinVar aggregate classification (germline): Uncertain significance (1 of 4 stars; one submission).

Conditions:
Menkes kinky-hair syndrome (MNK). Also called: Copper transport disease; Menkes Disease; Classic Menkes Disease. Identifiers: Orphanet 565, MedGen C0022716, MONDO:0010651, OMIM 309400.
Cutis laxa, X-linked (OHS). Also called: EDS IX; Occipital horn syndrome. Identifiers: Orphanet 198, MedGen C0268353, MONDO:0010572, OMIM 304150.
X-linked distal spinal muscular atrophy type 3. Also called: ATP7A-Related Distal Motor Neuropathy; SPINAL MUSCULAR ATROPHY, DISTAL, X-LINKED RECESSIVE; NEURONOPATHY, DISTAL HEREDITARY MOTOR, X-LINKED; NEUROPATHY, DISTAL HEREDITARY MOTOR, X-LINKED. Identifiers: Orphanet 139557, MedGen C1845359, MONDO:0010338, OMIM 300489.

Submission:

Labcorp Genetics (formerly Invitae), Labcorp
Classification: Uncertain significance for X-linked distal spinal muscular atrophy type 3; Cutis laxa, X-linked; Menkes kinky-hair syndrome. Last evaluated: 2023-02-10. Review status: criteria provided, single submitter. Criteria: Invitae Variant Classification Sherloc (09022015). Collection method: clinical testing. Allele origin: germline.
Comment: This variant is not present in population databases (gnomAD no frequency). This sequence change replaces phenylalanine, which is neutral and non-polar, with leucine, which is neutral and non-polar, at codon 726 of the ATP7A protein (p.Phe726Leu). This variant has not been reported in the literature in individuals affected with ATP7A-related conditions. Advanced modeling of protein sequence and biophysical properties (such as structural, functional, and spatial information, amino acid conservation, physicochemical variation, residue mobility, and thermodynamic stability) performed at Invitae indicates that this missense variant is not expected to disrupt ATP7A protein function. In summary, the available evidence is currently insufficient to determine the role of this variant in disease. Therefore, it has been classified as a Variant of Uncertain Significance.